The following is an entry in ClinVar:

NM_022124.6(CDH23):c.4903C>T (p.Gln1635Ter)

Gene: CDH23 (cadherin related 23; plus strand). Cytogenetic location: 10q22.1.
Variant type: single nucleotide variant.
Coding change: c.4903C>T on transcript NM_022124.6 (MANE Select); coding-DNA position 4903, C replaced by T.
Protein change: p.Gln1635Ter; replaces glutamine 1635 with a stop codon.
Molecular consequence: nonsense.
Genome position (GRCh38, 1-based): chr10:71,777,737, C>T. VCF-style: chr10-71777737-C-T. GRCh37 (hg19) VCF-style: chr10-73537494-C-T.
Other names: short protein forms Q1635*.
Identifiers: ClinVar variation 1430362 (VCV001430362.6), dbSNP rs2132925769, ClinGen allele CA377140110.

ClinVar aggregate classification (germline): Pathogenic (1 of 4 stars; one submission).

Submission:

Labcorp Genetics (formerly Invitae), Labcorp
Classification: Pathogenic. Last evaluated: 2021-04-08. Review status: criteria provided, single submitter. Criteria: Invitae Variant Classification Sherloc (09022015). Collection method: clinical testing. Allele origin: germline.
Comment: This sequence change creates a premature translational stop signal (p.Gln1635*) in the CDH23 gene. It is expected to result in an absent or disrupted protein product. Loss-of-function variants in CDH23 are known to be pathogenic (PMID: 11138009, 21940737). This variant is not present in population databases (ExAC no frequency). For these reasons, this variant has been classified as Pathogenic. This variant has not been reported in the literature in individuals with CDH23-related conditions.

Literature cited by the submitters: PubMed 11138009; PubMed 21940737.